The following is an entry in ClinVar:

NM_000302.4(PLOD1):c.232G>T (p.Val78Phe)

Gene: PLOD1 (procollagen-lysine,2-oxoglutarate 5-dioxygenase 1; plus strand). Cytogenetic location: 1p36.22.
Variant type: single nucleotide variant.
Coding change: c.232G>T on transcript NM_000302.4 (MANE Select); coding-DNA position 232, G replaced by T.
Protein change: p.Val78Phe; replaces valine 78 with phenylalanine.
Molecular consequence: missense variant.
Genome position (GRCh38, 1-based): chr1:11,949,836, G>T. VCF-style: chr1-11949836-G-T. GRCh37 (hg19) VCF-style: chr1-12009893-G-T.
Other names: c.373G>T, p.Val125Phe (NM_001316320.2); short protein forms V78F, V125F.
Identifiers: ClinVar variation 529341 (VCV000529341.11), dbSNP rs1306060482, ClinGen allele CA338426298.

ClinVar aggregate classification (germline): Uncertain significance (1 of 4 stars; one submission).

Conditions:
Ehlers-Danlos syndrome, kyphoscoliotic type 1 (EDSKSCL1). Also called: EHLERS-DANLOS SYNDROME, TYPE VIA; PLOD1-Related Kyphoscoliotic Ehlers-Danlos Syndrome; Ehlers-Danlos syndrome, hydroxylysine-deficient; EHLERS-DANLOS SYNDROME, OCULAR-SCOLIOTIC TYPE. Identifiers: Orphanet 1900, MedGen C0268342, MONDO:0016002, OMIM 225400. Disease mechanism: loss of function.

Submission:

Labcorp Genetics (formerly Invitae), Labcorp
Classification: Uncertain significance for Ehlers-Danlos syndrome, kyphoscoliotic type 1. Last evaluated: 2022-12-06. Review status: criteria provided, single submitter. Criteria: Invitae Variant Classification Sherloc (09022015). Collection method: clinical testing. Allele origin: germline.
Comment: ClinVar contains an entry for this variant (Variation ID: 529341). In summary, the available evidence is currently insufficient to determine the role of this variant in disease. Therefore, it has been classified as a Variant of Uncertain Significance. Advanced modeling of protein sequence and biophysical properties (such as structural, functional, and spatial information, amino acid conservation, physicochemical variation, residue mobility, and thermodynamic stability) performed at Invitae indicates that this missense variant is expected to disrupt PLOD1 protein function. This variant has not been reported in the literature in individuals affected with PLOD1-related conditions. This variant is not present in population databases (gnomAD no frequency). This sequence change replaces valine, which is neutral and non-polar, with phenylalanine, which is neutral and non-polar, at codon 78 of the PLOD1 protein (p.Val78Phe).